The following is an entry in ClinVar:

NM_001382430.1(AKT1):c.556A>T (p.Ile186Phe)

Gene: AKT1 (AKT serine/threonine kinase 1; minus strand). Cytogenetic location: 14q32.33.
Variant type: single nucleotide variant.
Coding change: c.556A>T on transcript NM_001382430.1 (MANE Select); coding-DNA position 556, A replaced by T.
Protein change: p.Ile186Phe; replaces isoleucine 186 with phenylalanine.
Molecular consequence: missense variant.
Genome position (GRCh38, 1-based): chr14:104,775,087, T>A on the plus strand (A>T on the coding strand, the complement: AKT1 is on the minus strand). VCF-style: chr14-104775087-T-A. GRCh37 (hg19) VCF-style: chr14-105241424-T-A.
Other names: c.556A>T, p.Ile186Phe (NM_001014431.2, NM_001014432.2, NM_001382431.1 and 3 more transcripts); short protein forms I186F.
Identifiers: ClinVar variation 1748347 (VCV001748347.2), dbSNP rs2140916498, ClinGen allele CA391219327.

ClinVar aggregate classification (germline): Uncertain significance (1 of 4 stars; one submission).

Conditions:
Inborn genetic diseases. Identifiers: MedGen C0950123, MeSH D030342.

Submission:

Ambry Genetics
Classification: Uncertain significance for Inborn genetic diseases. Last evaluated: 2022-03-01. Review status: criteria provided, single submitter. Criteria: Ambry Variant Classification Scheme 2023. Collection method: clinical testing. Allele origin: germline.
Comment: The p.I186F variant (also known as c.556A>T), located in coding exon 5 of the AKT1 gene, results from an A to T substitution at nucleotide position 556. The isoleucine at codon 186 is replaced by phenylalanine, an amino acid with highly similar properties. This amino acid position is conserved. In addition, this alteration is predicted to be tolerated by in silico analysis. Since supporting evidence is limited at this time, the clinical significance of this alteration remains unclear.